The following is an entry in ClinVar:

ClinVar aggregate classification (germline): Uncertain significance (1 of 4 stars; one submission).

Allele frequency attached by ClinVar (database versions not stated): gnomAD 0.00001; gnomAD exomes 0.00001; TOPMed 0.00001.
gnomAD v4.1: 20 of 1,613,632 alleles (0.0012%); highest among the groups gnomAD compares: Middle Eastern, 0.017%; no homozygotes.

Submission:

Labcorp Genetics (formerly Invitae), Labcorp
Classification: Uncertain significance. Last evaluated: 2022-06-29. Review status: criteria provided, single submitter. Criteria: Invitae Variant Classification Sherloc (09022015). Collection method: clinical testing. Allele origin: germline.
Comment: This sequence change replaces valine, which is neutral and non-polar, with methionine, which is neutral and non-polar, at codon 2041 of the FRAS1 protein (p.Val2041Met). This variant is not present in population databases (gnomAD no frequency). This variant has not been reported in the literature in individuals affected with FRAS1-related conditions. Algorithms developed to predict the effect of missense changes on protein structure and function output the following: SIFT: "Tolerated"; PolyPhen-2: "Benign"; Align-GVGD: "Class C0". The methionine amino acid residue is found in multiple mammalian species, which suggests that this missense change does not adversely affect protein function. In summary, the available evidence is currently insufficient to determine the role of this variant in disease. Therefore, it has been classified as a Variant of Uncertain Significance.

NM_025074.7(FRAS1):c.6121G>A (p.Val2041Met)

Gene: FRAS1 (Fraser extracellular matrix complex subunit 1; plus strand). Cytogenetic location: 4q21.21.
Variant type: single nucleotide variant.
Coding change: c.6121G>A on transcript NM_025074.7 (MANE Select); coding-DNA position 6121, G replaced by A.
Protein change: p.Val2041Met; replaces valine 2041 with methionine.
Molecular consequence: missense variant.
Genome position (GRCh38, 1-based): chr4:78,448,163, G>A. VCF-style: chr4-78448163-G-A. GRCh37 (hg19) VCF-style: chr4-79369317-G-A.
Other names: short protein forms V2041M.
Identifiers: ClinVar variation 2045413 (VCV002045413.1), dbSNP rs1446256594, ClinGen allele CA357393099.